The following is an entry in ClinVar:

ClinVar aggregate classification (germline): Uncertain significance (1 of 4 stars; one submission).

Allele frequency attached by ClinVar (database versions not stated): ExAC 0.00005; TOPMed 0.00005; ESP Exome Variant Server 0.00008; 1000 Genomes Project 0.00020; 1000 Genomes Project 30x 0.00031.
gnomAD v4.1: 30 of 1,605,614 alleles (0.0019%); highest among the groups gnomAD compares: Admixed American, 0.005%; no homozygotes.

Submission:

Labcorp Genetics (formerly Invitae), Labcorp
Classification: Uncertain significance. Last evaluated: 2024-05-10. Review status: criteria provided, single submitter. Criteria: Invitae Variant Classification Sherloc (09022015). Collection method: clinical testing. Allele origin: germline.
Comment: This sequence change replaces arginine, which is basic and polar, with tryptophan, which is neutral and slightly polar, at codon 103 of the TNFRSF6B protein (p.Arg103Trp). This variant is present in population databases (rs372873262, gnomAD 0.009%). This variant has not been reported in the literature in individuals affected with TNFRSF6B-related conditions. ClinVar contains an entry for this variant (Variation ID: 1927840). Algorithms developed to predict the effect of missense changes on protein structure and function output the following: SIFT: "Not Available"; PolyPhen-2: "Probably Damaging"; Align-GVGD: "Not Available". The tryptophan amino acid residue is found in multiple mammalian species, which suggests that this missense change does not adversely affect protein function. In summary, the available evidence is currently insufficient to determine the role of this variant in disease. Therefore, it has been classified as a Variant of Uncertain Significance.

NM_003823.4(TNFRSF6B):c.307C>T (p.Arg103Trp)

Genes: RTEL1-TNFRSF6B (RTEL1-TNFRSF6B readthrough (NMD candidate); plus strand), TNFRSF6B (TNF receptor superfamily member 6b; plus strand). Cytogenetic location: 20q13.33.
Variant type: single nucleotide variant.
Coding change: c.307C>T on transcript NM_003823.4 (MANE Select); coding-DNA position 307, C replaced by T.
Protein change: p.Arg103Trp; replaces arginine 103 with tryptophan.
Molecular consequence: missense variant. On other transcripts: non-coding transcript variant (1).
Genome position (GRCh38, 1-based): chr20:63,697,074, C>T. VCF-style: chr20-63697074-C-T. GRCh37 (hg19) VCF-style: chr20-62328427-C-T.
Other names: short protein forms R103W.
Identifiers: ClinVar variation 1927840 (VCV001927840.5), dbSNP rs372873262, ClinGen allele CA9966404.
Genomic context (GRCh38, chr20:63,697,074, plus strand): 5'-AACTACCTAGAGCGCTGCCGCTACTGCAACGTCCTCTGCGGGGAGCGTGAGGAGGAGGCA[C>T]GGGCTTGCCACGCCACCCACAACCGTGCCTGCCGCTGCCGCACCGGCTTCTTCGCGCACG-3'
Protein context (NP_003814.1, residues 93-113): VLCGEREEEA[Arg103Trp]ACHATHNRAC